The following is an entry in ClinVar:

ClinVar aggregate classification (germline): Conflicting classifications of pathogenicity. Review status: criteria provided, conflicting classifications (1 of 4 stars). 3 submissions from 3 submitters: Uncertain significance (2); Likely benign (1). Last evaluated 2024-04-19.

Conditions:
Donnai-Barrow syndrome. Also called: DBS/FOAR SYNDROME; FACIOOCULOACOUSTICORENAL SYNDROME. Identifiers: Orphanet 2143, MedGen C1857277, MONDO:0009104, OMIM 222448.
Inborn genetic diseases. Identifiers: MedGen C0950123, MeSH D030342.

Allele frequency attached by ClinVar (database versions not stated): gnomAD 0.00001 and 0.00002; ExAC 0.00002; gnomAD exomes 0.00002; TOPMed 0.00002.
gnomAD v4.1: 47 of 1,614,032 alleles (0.0029%); highest among the groups gnomAD compares: East Asian, 0.0067%; no homozygotes.

Submissions (3):

Fulgent Genetics
Classification: Uncertain significance for Donnai-Barrow syndrome. Last evaluated: 2024-04-19. Review status: criteria provided, single submitter. Criteria: ACMG Guidelines, 2015. Collection method: clinical testing. Allele origin: germline.

Labcorp Genetics (formerly Invitae), Labcorp
Classification: Uncertain significance. Last evaluated: 2022-08-23. Review status: criteria provided, single submitter. Criteria: Invitae Variant Classification Sherloc (09022015). Collection method: clinical testing. Allele origin: germline.
Comment: This sequence change replaces alanine, which is neutral and non-polar, with valine, which is neutral and non-polar, at codon 329 of the LRP2 protein (p.Ala329Val). This variant is present in population databases (rs568958746, gnomAD 0.006%). This variant has not been reported in the literature in individuals affected with LRP2-related conditions. ClinVar contains an entry for this variant (Variation ID: 1503579). Advanced modeling of protein sequence and biophysical properties (such as structural, functional, and spatial information, amino acid conservation, physicochemical variation, residue mobility, and thermodynamic stability) performed at Invitae indicates that this missense variant is not expected to disrupt LRP2 protein function. In summary, the available evidence is currently insufficient to determine the role of this variant in disease. Therefore, it has been classified as a Variant of Uncertain Significance.

Ambry Genetics
Classification: Likely benign for Inborn genetic diseases. Last evaluated: 2022-05-25. Review status: criteria provided, single submitter. Criteria: Ambry Variant Classification Scheme 2023. Collection method: clinical testing. Allele origin: germline.

NM_004525.3(LRP2):c.986C>T (p.Ala329Val)

Gene: LRP2 (LDL receptor related protein 2; minus strand). Cytogenetic location: 2q31.1.
Variant type: single nucleotide variant.
Coding change: c.986C>T on transcript NM_004525.3 (MANE Select); coding-DNA position 986, C replaced by T.
Protein change: p.Ala329Val; replaces alanine 329 with valine.
Molecular consequence: missense variant.
Genome position (GRCh38, 1-based): chr2:169,289,082, G>A on the plus strand (C>T on the coding strand, the complement: LRP2 is on the minus strand). VCF-style: chr2-169289082-G-A. GRCh37 (hg19) VCF-style: chr2-170145592-G-A.
Other names: c.986C>T (NM_004525.2); short protein forms A329V.
Identifiers: ClinVar variation 1503579 (VCV001503579.5), dbSNP rs568958746, ClinGen allele CA1955691.